The following is an entry in ClinVar:

ClinVar aggregate classification (germline): Uncertain significance (1 of 4 stars; one submission).

Conditions:
Ataxia-telangiectasia syndrome (AT). Also called: Cerebello-oculocutaneous telangiectasia; Immunodeficiency with ataxia telangiectasia; LOUIS-BAR SYNDROME; ATAXIA-TELANGIECTASIA, COMPLEMENTATION GROUP A; ATAXIA-TELANGIECTASIA, FRESNO VARIANT; Ataxia-telangiectasia, complementation group D. Identifiers: Orphanet 100, MedGen C0004135, MONDO:0008840, OMIM 208900.

Allele frequency attached by ClinVar (database versions not stated): gnomAD exomes below 0.00001.
gnomAD v4.1: 5 of 1,613,112 alleles (0.00031%); highest among the groups gnomAD compares: Non-Finnish European, 0.00042%; no homozygotes.

Submission:

Labcorp Genetics (formerly Invitae), Labcorp
Classification: Uncertain significance for Ataxia-telangiectasia syndrome. Last evaluated: 2024-02-15. Review status: criteria provided, single submitter. Criteria: Invitae Variant Classification Sherloc (09022015). Collection method: clinical testing. Allele origin: germline.
Comment: This sequence change falls in intron 8 of the ATM gene. It does not directly change the encoded amino acid sequence of the ATM protein. This variant is not present in population databases (gnomAD no frequency). This variant has not been reported in the literature in individuals affected with ATM-related conditions. ClinVar contains an entry for this variant (Variation ID: 1384435). Studies have shown that this variant is associated with inconclusive levels of altered splicing (Invitae). In summary, the available evidence is currently insufficient to determine the role of this variant in disease. Therefore, it has been classified as a Variant of Uncertain Significance.

NM_000051.4(ATM):c.1065+13G>A

Gene: ATM (ATM serine/threonine kinase; plus strand). Cytogenetic location: 11q22.3.
Variant type: single nucleotide variant.
Coding change: c.1065+13G>A on transcript NM_000051.4 (MANE Select); 13 bases into the intron after coding-DNA position 1065, G replaced by A.
Molecular consequence: intron variant.
Genome position (GRCh38, 1-based): chr11:108,247,140, G>A. VCF-style: chr11-108247140-G-A. GRCh37 (hg19) VCF-style: chr11-108117867-G-A.
Other names: c.1065+13G>A (NM_001351834.2).
Identifiers: ClinVar variation 1384435 (VCV001384435.6), dbSNP rs2135270116, ClinGen allele CA2573146442.